The following is an entry in ClinVar:

ClinVar aggregate classification (germline): Benign. Review status: criteria provided, multiple submitters, no conflicts (2 of 4 stars). 2 submissions from 2 submitters: Benign (2). Last evaluated 2018-06-14.

Allele frequency attached by ClinVar (database versions not stated): gnomAD exomes 0.45610; 1000 Genomes Project 0.50998; 1000 Genomes Project 30x 0.51921; gnomAD 0.55382 and 0.56692; TOPMed 0.56539.
gnomAD v4.1: 337,182 of 705,324 alleles (48%); highest among the groups gnomAD compares: African/African-American, 79%; 85,265 homozygotes.

Submissions (2):

GeneDx
Classification: Benign. Last evaluated: 2018-06-14. Review status: criteria provided, single submitter. Criteria: GeneDx Variant Classification (06012015). Collection method: clinical testing. Allele origin: germline. Affected: yes.
Comment: This variant is considered likely benign or benign based on one or more of the following criteria: it is a conservative change, it occurs at a poorly conserved position in the protein, it is predicted to be benign by multiple in silico algorithms, and/or has population frequency not consistent with disease.

Breakthrough Genomics
Classification: Benign. Review status: criteria provided, single submitter. Criteria: ACMG Guidelines, 2015. Collection method: not provided. Allele origin: germline. Inheritance: Autosomal dominant inheritance. Affected: yes.

NM_000069.3(CACNA1S):c.5049-145A>G

Gene: CACNA1S (calcium voltage-gated channel subunit alpha1 S; minus strand). Cytogenetic location: 1q32.1.
Variant type: single nucleotide variant.
Coding change: c.5049-145A>G on transcript NM_000069.3 (MANE Select); 145 bases into the intron before coding-DNA position 5049, A replaced by G.
Molecular consequence: intron variant.
Genome position (GRCh38, 1-based): chr1:201,041,734, T>C on the plus strand (A>G on the coding strand, the complement: CACNA1S is on the minus strand). VCF-style: chr1-201041734-T-C. GRCh37 (hg19) VCF-style: chr1-201010862-T-C.
Identifiers: ClinVar variation 678239 (VCV000678239.2), dbSNP rs6675915, ClinGen allele CA10748459.